The following is an entry in ClinVar:

NM_020041.3(SLC2A9):c.770G>T (p.Arg257Leu)

Gene: SLC2A9 (solute carrier family 2 member 9; minus strand). Cytogenetic location: 4p16.1.
Variant type: single nucleotide variant.
Coding change: c.770G>T on transcript NM_020041.3 (MANE Select); coding-DNA position 770, G replaced by T.
Protein change: p.Arg257Leu; replaces arginine 257 with leucine.
Molecular consequence: missense variant.
Genome position (GRCh38, 1-based): chr4:9,941,957, C>A on the plus strand (G>T on the coding strand, the complement: SLC2A9 is on the minus strand). VCF-style: chr4-9941957-C-A. GRCh37 (hg19) VCF-style: chr4-9943581-C-A.
Other names: c.683G>T, p.Arg228Leu (NM_001001290.2); short protein forms R228L, R257L.
Identifiers: ClinVar variation 1359926 (VCV001359926.8), dbSNP rs367643471, ClinGen allele CA92189279.

ClinVar aggregate classification (germline): Uncertain significance (1 of 4 stars; one submission).

Submission:

Labcorp Genetics (formerly Invitae), Labcorp
Classification: Uncertain significance. Last evaluated: 2021-06-08. Review status: criteria provided, single submitter. Criteria: Invitae Variant Classification Sherloc (09022015). Collection method: clinical testing. Allele origin: germline.
Comment: This sequence change replaces arginine with leucine at codon 257 of the SLC2A9 protein (p.Arg257Leu). The arginine residue is moderately conserved and there is a moderate physicochemical difference between arginine and leucine. This variant is not present in population databases (ExAC no frequency). This variant has not been reported in the literature in individuals with SLC2A9-related conditions. Algorithms developed to predict the effect of missense changes on protein structure and function are either unavailable or do not agree on the potential impact of this missense change (SIFT: "Deleterious"; PolyPhen-2: "Possibly Damaging"; Align-GVGD: "Class C0"). In summary, the available evidence is currently insufficient to determine the role of this variant in disease. Therefore, it has been classified as a Variant of Uncertain Significance.